The following is an entry in ClinVar:

NM_002206.3(ITGA7):c.925G>T (p.Val309Phe)

Gene: ITGA7 (integrin subunit alpha 7; minus strand). Cytogenetic location: 12q13.2.
Variant type: single nucleotide variant.
Coding change: c.925G>T on transcript NM_002206.3 (MANE Select); coding-DNA position 925, G replaced by T.
Protein change: p.Val309Phe; replaces valine 309 with phenylalanine.
Molecular consequence: missense variant. On other transcripts: 5 prime UTR variant (1).
Genome position (GRCh38, 1-based): chr12:55,698,783, C>A on the plus strand (G>T on the coding strand, the complement: ITGA7 is on the minus strand). VCF-style: chr12-55698783-C-A. GRCh37 (hg19) VCF-style: chr12-56092567-C-A.
Other names: c.937G>T, p.Val313Phe (NM_001144996.2, NM_001414029.1, NM_001414030.1); c.646G>T, p.Val216Phe (NM_001144997.2); c.598G>T, p.Val200Phe (NM_001367993.1); c.-368G>T (NM_001367994.1); c.925G>T, p.Val309Phe (NM_001374465.1, NM_001414031.1, NM_001414034.1); c.1057G>T, p.Val353Phe (NM_001410977.1); c.805G>T, p.Val269Phe (NM_001414032.1); c.742G>T, p.Val248Phe (NM_001414033.1); and 1 more; short protein forms V309F, V200F, V216F, V313F, V353F, V248F, V269F, V196F.
Identifiers: ClinVar variation 1383058 (VCV001383058.5), dbSNP rs140716825, ClinGen allele CA6616107.

ClinVar aggregate classification (germline): Uncertain significance (1 of 4 stars; one submission).

Conditions:
Congenital muscular dystrophy due to integrin alpha-7 deficiency. Also called: MYOPATHY, CONGENITAL, DUE TO INTEGRIN ALPHA-7 DEFICIENCY; Congenital muscular dystrophy with integrin alpha-7 deficiency; Muscular dystrophy, congenital, due to ITGA7 deficiency. Identifiers: Orphanet 34520, MedGen C2750786, MONDO:0013177, OMIM 613204.

Allele frequency attached by ClinVar (database versions not stated): ExAC 0.00002; gnomAD 0.00003; gnomAD exomes 0.00003 and 0.00004; TOPMed 0.00004.
gnomAD v4.1: 53 of 1,614,048 alleles (0.0033%); highest among the groups gnomAD compares: Admixed American, 0.012%; no homozygotes.

Submission:

Labcorp Genetics (formerly Invitae), Labcorp
Classification: Uncertain significance for Congenital muscular dystrophy due to integrin alpha-7 deficiency. Last evaluated: 2022-10-18. Review status: criteria provided, single submitter. Criteria: Invitae Variant Classification Sherloc (09022015). Collection method: clinical testing. Allele origin: germline.
Comment: In summary, the available evidence is currently insufficient to determine the role of this variant in disease. Therefore, it has been classified as a Variant of Uncertain Significance. Advanced modeling of protein sequence and biophysical properties (such as structural, functional, and spatial information, amino acid conservation, physicochemical variation, residue mobility, and thermodynamic stability) performed at Invitae indicates that this missense variant is not expected to disrupt ITGA7 protein function. ClinVar contains an entry for this variant (Variation ID: 1383058). This variant has not been reported in the literature in individuals affected with ITGA7-related conditions. This variant is present in population databases (rs140716825, gnomAD 0.02%). This sequence change replaces valine, which is neutral and non-polar, with phenylalanine, which is neutral and non-polar, at codon 309 of the ITGA7 protein (p.Val309Phe).